The following is an entry in ClinVar:

ClinVar aggregate classification (germline): Uncertain significance. Review status: criteria provided, multiple submitters, no conflicts (2 of 4 stars). 3 submissions from 3 submitters: Uncertain significance (3). Last evaluated 2025-12-15.

Conditions:
Pulmonary fibrosis and/or bone marrow failure, Telomere-related, 3. Also called: PULMONARY FIBROSIS AND/OR BONE MARROW FAILURE SYNDROME, TELOMERE-RELATED, 3. Identifiers: Orphanet 2032, MedGen C4225346, MONDO:0014613, OMIM 616373.
Dyskeratosis congenita, autosomal recessive 5 (DKCB5). Identifiers: MedGen C3554656, MONDO:0014076, OMIM 615190.
Inborn genetic diseases. Identifiers: MedGen C0950123, MeSH D030342.

gnomAD v4.1: 2 of 1,612,548 alleles (0.00012%); highest among the groups gnomAD compares: South Asian, 0.0011%; no homozygotes.

Submissions (3):

Ambry Genetics
Classification: Uncertain significance for Inborn genetic diseases. Last evaluated: 2025-12-15. Review status: criteria provided, single submitter. Criteria: Ambry Variant Classification Scheme 2023. Collection method: clinical testing. Allele origin: germline.
Comment: The p.C934Y variant (also known as c.2801G>A), located in coding exon 28 of the RTEL1 gene, results from a G to A substitution at nucleotide position 2801. The cysteine at codon 934 is replaced by tyrosine, an amino acid with highly dissimilar properties. This amino acid position is conserved. In addition, this alteration is predicted to be tolerated by in silico analysis. Based on the available evidence, the clinical significance of this variant remains unclear.

Revvity Omics, Revvity
Classification: Uncertain significance. Last evaluated: 2020-11-05. Review status: criteria provided, single submitter. Criteria: ACMG Guidelines, 2015. Collection method: clinical testing. Allele origin: germline.

Labcorp Genetics (formerly Invitae), Labcorp
Classification: Uncertain significance for Dyskeratosis congenita, autosomal recessive 5; Pulmonary fibrosis and/or bone marrow failure, Telomere-related, 3. Last evaluated: 2017-09-15. Review status: criteria provided, single submitter. Criteria: Invitae Variant Classification Sherloc (09022015). Collection method: clinical testing. Allele origin: germline.
Comment: This sequence change replaces cysteine with tyrosine at codon 958 of the RTEL1 protein (p.Cys958Tyr). The cysteine residue is weakly conserved and there is a large physicochemical difference between cysteine and tyrosine. This variant is not present in population databases (ExAC no frequency). This variant has not been reported in the literature in individuals with RTEL1-related disease. Algorithms developed to predict the effect of missense changes on protein structure and function (SIFT, PolyPhen-2, Align-GVGD) all suggest that this variant is likely to be tolerated, but these predictions have not been confirmed by published functional studies and their clinical significance is uncertain. In summary, the available evidence is currently insufficient to determine the role of this variant in disease. Therefore, it has been classified as a Variant of Uncertain Significance.

NM_001283009.2(RTEL1):c.2801G>A (p.Cys934Tyr)

Genes: RTEL1 (regulator of telomere elongation helicase 1; plus strand), RTEL1-TNFRSF6B (RTEL1-TNFRSF6B readthrough (NMD candidate); plus strand). Cytogenetic location: 20q13.33.
Variant type: single nucleotide variant.
Coding change: c.2801G>A on transcript NM_001283009.2 (MANE Select); coding-DNA position 2801, G replaced by A.
Protein change: p.Cys934Tyr; replaces cysteine 934 with tyrosine.
Molecular consequence: missense variant. On other transcripts: non-coding transcript variant (1).
Genome position (GRCh38, 1-based): chr20:63,692,953, G>A. VCF-style: chr20-63692953-G-A. GRCh37 (hg19) VCF-style: chr20-62324306-G-A.
Other names: c.2132G>A, p.Cys711Tyr (NM_001283010.1); c.2801G>A, p.Cys934Tyr (NM_016434.4); c.2873G>A, p.Cys958Tyr (NM_032957.5); short protein forms C958Y, C934Y, C711Y.
Identifiers: ClinVar variation 473915 (VCV000473915.12), dbSNP rs1263651818, ClinGen allele CA409683062.